The following is an entry in ClinVar:

NM_003982.4(SLC7A7):c.844T>C (p.Tyr282His)

Gene: SLC7A7 (solute carrier family 7 member 7; minus strand). Cytogenetic location: 14q11.2.
Variant type: single nucleotide variant.
Coding change: c.844T>C on transcript NM_003982.4 (MANE Select); coding-DNA position 844, T replaced by C.
Protein change: p.Tyr282His; replaces tyrosine 282 with histidine.
Molecular consequence: missense variant.
Genome position (GRCh38, 1-based): chr14:22,776,245, A>G on the plus strand (T>C on the coding strand, the complement: SLC7A7 is on the minus strand). VCF-style: chr14-22776245-A-G. GRCh37 (hg19) VCF-style: chr14-23245454-A-G.
Other names: c.844T>C, p.Tyr282His (NM_001126105.3, NM_001126106.4); short protein forms Y282H.
Identifiers: ClinVar variation 2184517 (VCV002184517.1), dbSNP rs927176387, ClinGen allele CA257726495.

ClinVar aggregate classification (germline): Uncertain significance (1 of 4 stars; one submission).

Conditions:
Lysinuric protein intolerance (LPI). Identifiers: Orphanet 470, MedGen C0268647, MONDO:0009109, OMIM 222700.

Allele frequency attached by ClinVar (database versions not stated): gnomAD 0.00001; TOPMed 0.00002.

Submission:

Labcorp Genetics (formerly Invitae), Labcorp
Classification: Uncertain significance for Lysinuric protein intolerance. Last evaluated: 2022-05-08. Review status: criteria provided, single submitter. Criteria: Invitae Variant Classification Sherloc (09022015). Collection method: clinical testing. Allele origin: germline.
Comment: This sequence change replaces tyrosine, which is neutral and polar, with histidine, which is basic and polar, at codon 282 of the SLC7A7 protein (p.Tyr282His). This variant is present in population databases (no rsID available, gnomAD 0.0009%). This variant has not been reported in the literature in individuals affected with SLC7A7-related conditions. Algorithms developed to predict the effect of missense changes on protein structure and function (SIFT, PolyPhen-2, Align-GVGD) all suggest that this variant is likely to be disruptive. In summary, the available evidence is currently insufficient to determine the role of this variant in disease. Therefore, it has been classified as a Variant of Uncertain Significance.